The following is an entry in ClinVar:

ClinVar aggregate classification (germline): Conflicting classifications of pathogenicity. Review status: criteria provided, conflicting classifications (1 of 4 stars). 4 submissions from 3 submitters: Uncertain significance (1); Likely benign (2). 1 of the submissions does not count toward it. Last evaluated 2018-08-08.

Conditions:
KRIT1-related disorder. Also called: KRIT1-related disorders; KRIT1-related condition.
Angiokeratoma corporis diffusum with arteriovenous fistulas. Identifiers: MedGen C1838141, MONDO:0010885, OMIM 600419.
Cerebral cavernous malformation (CCM). Also called: CAVERNOUS ANGIOMA, FAMILIAL; CAVERNOUS ANGIOMATOUS MALFORMATIONS; CEREBRAL CAPILLARY MALFORMATIONS; Cerebral cavernous hemangioma (type); Cavernous Hemangioma of Brain; Cerebral cavernous malformations. Identifiers: Orphanet 221061, MedGen C2919945, MONDO:0000820, OMIM 116860, HP:0033522.

Allele frequency attached by ClinVar (database versions not stated): gnomAD 0.00001; gnomAD exomes 0.00002; ExAC 0.00003; TOPMed 0.00004; ESP Exome Variant Server 0.00008.
gnomAD v4.1: 26 of 1,613,492 alleles (0.0016%); highest among the groups gnomAD compares: East Asian, 0.0067%; no homozygotes.

Submissions (4):

Labcorp Genetics (formerly Invitae), Labcorp
Classification: Likely benign. Last evaluated: 2018-08-08. Review status: criteria provided, single submitter. Criteria: Invitae Variant Classification Sherloc (09022015). Collection method: clinical testing. Allele origin: germline.

Illumina Laboratory Services, Illumina
Classification: Likely benign for Angiokeratoma corporis diffusum with arteriovenous fistulas. Last evaluated: 2018-01-12. Review status: criteria provided, single submitter. Criteria: ICSL Variant Classification Criteria 13 December 2019. Collection method: clinical testing. Allele origin: germline.
Comment: This variant was observed in the ICSL laboratory as part of a predisposition screen in an ostensibly healthy population. It had not been previously curated by ICSL or reported in the Human Gene Mutation Database (HGMD: prior to June 1st, 2018), and was therefore a candidate for classification through an automated scoring system. Utilizing variant allele frequency, disease prevalence and penetrance estimates, and inheritance mode, an automated score was calculated to assess if this variant is too frequent to cause the disease. Based on the score and internal cut-off values, a variant classified as likely benign is not then subjected to further curation. The score for this variant resulted in a classification of likely benign for this disease.

Illumina Laboratory Services, Illumina
Classification: Uncertain significance for Cerebral cavernous malformation. Last evaluated: 2018-01-12. Review status: criteria provided, single submitter. Criteria: ICSL Variant Classification Criteria 13 December 2019. Collection method: clinical testing. Allele origin: germline.

PreventionGenetics, part of Exact Sciences
Classification: Likely benign for KRIT1-related condition. Last evaluated: 2019-03-02. Review status: no assertion criteria provided. Collection method: clinical testing. Allele origin: germline. Not counted in ClinVar's aggregate classification.
Comment: This variant is classified as likely benign based on ACMG/AMP sequence variant interpretation guidelines (Richards et al. 2015 PMID: 25741868, with internal and published modifications).

NM_194454.3(KRIT1):c.1938A>G (p.Thr646=)

Gene: KRIT1 (KRIT1 ankyrin repeat containing; minus strand). Cytogenetic location: 7q21.2.
Variant type: single nucleotide variant.
Coding change: c.1938A>G on transcript NM_194454.3 (MANE Select); coding-DNA position 1938, A replaced by G.
Protein change: p.Thr646=; no amino-acid change (threonine 646 retained).
Molecular consequence: synonymous variant.
Genome position (GRCh38, 1-based): chr7:92,213,282, T>C on the plus strand (A>G on the coding strand, the complement: KRIT1 is on the minus strand). VCF-style: chr7-92213282-T-C. GRCh37 (hg19) VCF-style: chr7-91842596-T-C.
Other names: c.1794A>G, p.Thr598= (NM_001013406.2, NM_001350669.1, NM_001350670.1); c.1224A>G, p.Thr408= (NM_001350671.1); c.1938A>G, p.Thr646= (NM_001350672.1, NM_001350673.1, NM_001350674.1 and 26 more transcripts).
Identifiers: ClinVar variation 761436 (VCV000761436.8), dbSNP rs369915828, ClinGen allele CA4338998.